The following is an entry in ClinVar:

ClinVar aggregate classification (germline): Uncertain significance. Review status: criteria provided, multiple submitters, no conflicts (2 of 4 stars). 2 submissions from 2 submitters: Uncertain significance (2). Last evaluated 2023-02-14.

Conditions:
Hereditary spastic paraplegia. Also called: Familial spastic paraparesis. Identifiers: Orphanet 685, MedGen C0037773, MONDO:0019064. Disease mechanism: loss of function.

Allele frequency attached by ClinVar (database versions not stated): gnomAD 0.00001; gnomAD exomes 0.00001; TOPMed 0.00001.
gnomAD v4.1: 29 of 1,613,748 alleles (0.0018%); highest among the groups gnomAD compares: Non-Finnish European, 0.0021%; no homozygotes.

Submissions (2):

Labcorp Genetics (formerly Invitae), Labcorp
Classification: Uncertain significance. Last evaluated: 2023-02-14. Review status: criteria provided, single submitter. Criteria: Invitae Variant Classification Sherloc (09022015). Collection method: clinical testing. Allele origin: germline.
Comment: An algorithm developed to predict the effect of missense changes on protein structure and function (PolyPhen-2) suggests that this variant is likely to be disruptive. In summary, the available evidence is currently insufficient to determine the role of this variant in disease. Therefore, it has been classified as a Variant of Uncertain Significance. ClinVar contains an entry for this variant (Variation ID: 1343946). This variant has not been reported in the literature in individuals affected with POLG2-related conditions. This variant is present in population databases (no rsID available, gnomAD 0.002%). This sequence change replaces leucine, which is neutral and non-polar, with methionine, which is neutral and non-polar, at codon 455 of the POLG2 protein (p.Leu455Met).

Genome Diagnostics Laboratory, The Hospital for Sick Children
Classification: Uncertain significance for Hereditary spastic paraplegia. Last evaluated: 2019-02-01. Review status: criteria provided, single submitter. Criteria: ACMG Guidelines, 2015. Collection method: clinical testing. Allele origin: germline. Affected: yes.

NM_007215.4(POLG2):c.1363C>A (p.Leu455Met)

Genes: POLG2 (DNA polymerase gamma 2, accessory subunit; minus strand), MILR1 (mast cell immunoglobulin like receptor 1; plus strand). Cytogenetic location: 17q23.3.
Variant type: single nucleotide variant.
Coding change: c.1363C>A on transcript NM_007215.4 (MANE Select); coding-DNA position 1363, C replaced by A.
Protein change: p.Leu455Met; replaces leucine 455 with methionine.
Molecular consequence: missense variant.
Genome position (GRCh38, 1-based): chr17:64,477,918, G>T on the plus strand (C>A on the coding strand, the complement: POLG2 is on the minus strand). VCF-style: chr17-64477918-G-T. GRCh37 (hg19) VCF-style: chr17-62474035-G-T.
Other names: short protein forms L455M.
Identifiers: ClinVar variation 1343946 (VCV001343946.8), dbSNP rs1284799258, ClinGen allele CA400635440.
Genomic context (GRCh38, chr17:64,477,918, plus strand): 5'-AAAAGTCTTTTAATTTGGATATATGCATCATTTCCTTCATTGTGGTGTCTCTGCTTCTCA[G>T]ATGTATTAATCCATTCTCCAAAGTAGTTTCAGTAACCAAAACTGTGAAGAGAATACTCAT-3'
Protein context (NP_009146.2, residues 445-465): ETTLENGLIH[Leu455Met]RSRDTTMKEM